The following is an entry in ClinVar:

ClinVar aggregate classification (germline): Uncertain significance (1 of 4 stars; one submission).

Conditions:
Inborn genetic diseases. Identifiers: MedGen C0950123, MeSH D030342.

gnomAD v4.1: 1 of 1,532,894 alleles (0.000065%); highest among the groups gnomAD compares: South Asian, 0.0012%; no homozygotes.

Submission:

Ambry Genetics
Classification: Uncertain significance for Inborn genetic diseases. Last evaluated: 2026-04-11. Review status: criteria provided, single submitter. Criteria: Ambry Variant Classification Scheme 2023. Collection method: clinical testing. Allele origin: germline.
Comment: The p.A38D variant (also known as c.113C>A), located in coding exon 1 of the SH2B3 gene, results from a C to A substitution at nucleotide position 113. The alanine at codon 38 is replaced by aspartic acid, an amino acid with dissimilar properties. This amino acid position is conserved. In addition, the in silico prediction for this alteration is inconclusive. Based on the available evidence, the clinical significance of this variant remains unclear.

NM_005475.3(SH2B3):c.113C>A (p.Ala38Asp)

Gene: SH2B3 (SH2B adaptor protein 3; plus strand). Cytogenetic location: 12q24.12.
Variant type: single nucleotide variant.
Coding change: c.113C>A on transcript NM_005475.3 (MANE Select); coding-DNA position 113, C replaced by A.
Protein change: p.Ala38Asp; replaces alanine 38 with aspartic acid.
Molecular consequence: missense variant.
Genome position (GRCh38, 1-based): chr12:111,418,258, C>A. VCF-style: chr12-111418258-C-A. GRCh37 (hg19) VCF-style: chr12-111856062-C-A.
Other names: short protein forms A38D.
Identifiers: ClinVar variation 4864415 (VCV004864415.1).